The following is an entry in ClinVar:

ClinVar aggregate classification (germline): Likely benign. Review status: criteria provided, multiple submitters, no conflicts (2 of 4 stars). 2 submissions from 2 submitters: Likely benign (2). Last evaluated 2026-01-21.

Conditions:
MEGF10-related myopathy (CMYO10A). Also called: Congenital myopathy 10A, severe variant. Identifiers: Orphanet 439212, MedGen C3280679, MONDO:0013731, OMIM 614399.

Allele frequency attached by ClinVar (database versions not stated): gnomAD exomes below 0.00001; TOPMed below 0.00001; gnomAD 0.00001.
gnomAD v4.1: 2 of 1,614,100 alleles (0.00012%); highest among the groups gnomAD compares: African/African-American, 0.0013%; no homozygotes.

Submissions (2):

Labcorp Genetics (formerly Invitae), Labcorp
Classification: Likely benign for MEGF10-related myopathy. Last evaluated: 2026-01-21. Review status: criteria provided, single submitter. Criteria: Invitae Variant Classification Sherloc (09022015). Collection method: clinical testing. Allele origin: germline.

GeneDx
Classification: Likely benign. Last evaluated: 2017-12-20. Review status: criteria provided, single submitter. Criteria: GeneDx Variant Classification (06012015). Collection method: clinical testing. Allele origin: germline. Affected: yes.
Comment: This variant is considered likely benign or benign based on one or more of the following criteria: it is a conservative change, it occurs at a poorly conserved position in the protein, it is predicted to be benign by multiple in silico algorithms, and/or has population frequency not consistent with disease.

NM_001256545.2(MEGF10):c.930G>A (p.Glu310=)

Gene: MEGF10 (multiple EGF like domains 10; plus strand). Cytogenetic location: 5q23.2.
Variant type: single nucleotide variant.
Coding change: c.930G>A on transcript NM_001256545.2 (MANE Select); coding-DNA position 930, G replaced by A.
Protein change: p.Glu310=; no amino-acid change (glutamic acid 310 retained).
Molecular consequence: synonymous variant.
Genome position (GRCh38, 1-based): chr5:127,410,401, G>A. VCF-style: chr5-127410401-G-A. GRCh37 (hg19) VCF-style: chr5-126746093-G-A.
Other names: c.930G>A, p.Glu310= (NM_001308119.2, NM_001308121.2, NM_032446.3).
Identifiers: ClinVar variation 514092 (VCV000514092.9), dbSNP rs1264341592, ClinGen allele CA446283984.